The following is an entry in ClinVar:

NM_001099857.5(IKBKG):c.833AGG[1] (p.Glu279del)

Gene: IKBKG (inhibitor of nuclear factor kappa B kinase regulatory subunit gamma; plus strand). Cytogenetic location: Xq28.
Variant type: Microsatellite.
Coding change: c.833AGG[1] on transcript NM_001099857.5 (MANE Select); one copy of the 3-base unit AGG starting at c.833; the reference has two copies in a row; one copy, 3 bases deleted.
Protein change: p.Glu279del; deletes glutamic acid 279.
Molecular consequence: inframe deletion. On other transcripts: non-coding transcript variant (1), intron variant (1).
Genome position (GRCh38, 1-based): chrX:154,562,877-154,562,879, AGG deleted; deleting any 3 consecutive bases within chrX:154,562,874-154,562,879 gives the same sequence; the position shown is the placement nearest the transcript's 3' end. VCF-style (leftmost placement, unchanged base first): chrX-154562873-CAGG-C. GRCh37 (hg19) VCF-style: chrX-153791088-CAGG-C.
Other names: c.836_838del (NM_003639.3); c.836_838delAGG (NM_003639.3); c.1037AGG[1], p.Glu347del (NM_001099856.6); c.833AGG[1], p.Glu279del (NM_001321396.3, NM_001377312.1, NM_003639.4); c.830AGG[1], p.Glu278del (NM_001321397.3, NM_001377313.1); c.677AGG[1], p.Glu227del (NM_001377314.1); c.464AGG[1], p.Glu156del (NM_001377315.1); c.616-682_616-680del (NM_001145255.4); short protein forms E156del, E227del, E278del, E279del, E347del.
Identifiers: ClinVar variation 1205384 (VCV001205384.5), dbSNP rs2148383840, ClinGen allele CA2580612533.
Genomic context (GRCh38, chrX:154,562,873, plus strand): 5'-ATGCAGCTGGAAGATCTCAAACAGCAGCTCCAGCAGGCCGAGGAGGCCCTGGTGGCCAAA[CAGG>C]AGGTGATCGATAAGCTGAAGGAGGAGGCCGAGCAGCACAAGATTGTGATGGAGACCGTTC-3'

ClinVar aggregate classification (germline): Uncertain significance (1 of 4 stars; one submission).

Submission:

GeneDx
Classification: Uncertain significance. Last evaluated: 2023-08-22. Review status: criteria provided, single submitter. Criteria: GeneDx Variant Classification Process June 2021. Collection method: clinical testing. Allele origin: germline. Affected: yes.
Comment: In-frame deletion of one amino acid in a non-repeat region; No data available from control populations to assess the frequency of this variant; Has not been previously published as pathogenic or benign to our knowledge